The following is an entry in ClinVar:

ClinVar aggregate classification (germline): Uncertain significance. Review status: criteria provided, multiple submitters, no conflicts (2 of 4 stars). 3 submissions from 3 submitters: Uncertain significance (3). Last evaluated 2025-08-06.

Conditions:
Inborn genetic diseases. Identifiers: MedGen C0950123, MeSH D030342.
Hereditary spastic paraplegia 50 (SPG50). Also called: Spastic paraplegia 50, autosomal recessive. Identifiers: Orphanet 280763, MedGen C2752008, MONDO:0013048, OMIM 612936.

Allele frequency attached by ClinVar (database versions not stated): gnomAD 0.00004 and 0.00005; gnomAD exomes 0.00004 and 0.00006; TOPMed 0.00007; ESP Exome Variant Server 0.00008; ExAC 0.00012.

Submissions (3):

Labcorp Genetics (formerly Invitae), Labcorp
Classification: Uncertain significance for Hereditary spastic paraplegia 50. Last evaluated: 2025-08-06. Review status: criteria provided, single submitter. Criteria: Invitae Variant Classification Sherloc (09022015). Collection method: clinical testing. Allele origin: germline.
Comment: This sequence change replaces arginine, which is basic and polar, with cysteine, which is neutral and slightly polar, at codon 227 of the AP4M1 protein (p.Arg227Cys). This variant is present in population databases (rs369201294, gnomAD 0.01%). This variant has not been reported in the literature in individuals affected with AP4M1-related conditions. ClinVar contains an entry for this variant (Variation ID: 972330). An algorithm developed to predict the effect of missense changes on protein structure and function outputs the following: PolyPhen-2: "Benign". The cysteine amino acid residue is found in multiple mammalian species, which suggests that this missense change does not adversely affect protein function. In summary, the available evidence is currently insufficient to determine the role of this variant in disease. Therefore, it has been classified as a Variant of Uncertain Significance.

Ambry Genetics
Classification: Uncertain significance for Inborn genetic diseases. Last evaluated: 2024-06-26. Review status: criteria provided, single submitter. Criteria: Ambry Variant Classification Scheme 2023. Collection method: clinical testing. Allele origin: germline.

Blueprint Genetics
Classification: Uncertain significance. Last evaluated: 2023-11-21. Review status: criteria provided, single submitter. Criteria: ACMG Guidelines, 2015. Collection method: clinical testing. Allele origin: germline.

NM_004722.4(AP4M1):c.679C>T (p.Arg227Cys)

Gene: AP4M1 (adaptor related protein complex 4 subunit mu 1; plus strand). Cytogenetic location: 7q22.1.
Variant type: single nucleotide variant.
Coding change: c.679C>T on transcript NM_004722.4 (MANE Select); coding-DNA position 679, C replaced by T.
Protein change: p.Arg227Cys; replaces arginine 227 with cysteine.
Molecular consequence: missense variant.
Genome position (GRCh38, 1-based): chr7:100,105,050, C>T. VCF-style: chr7-100105050-C-T. GRCh37 (hg19) VCF-style: chr7-99702673-C-T.
Other names: c.700C>T, p.Arg234Cys (NM_001363671.2); short protein forms R227C, R234C.
Identifiers: ClinVar variation 972330 (VCV000972330.9), dbSNP rs369201294, ClinGen allele CA4374747.